The following is an entry in ClinVar:

ClinVar aggregate classification (germline): Pathogenic (1 of 4 stars; one submission).

Conditions:
Menkes kinky-hair syndrome (MNK). Also called: Copper transport disease; Menkes Disease; Classic Menkes Disease. Identifiers: Orphanet 565, MedGen C0022716, MONDO:0010651, OMIM 309400.
Cutis laxa, X-linked (OHS). Also called: Occipital horn syndrome; EDS IX. Identifiers: Orphanet 198, MedGen C0268353, MONDO:0010572, OMIM 304150.
X-linked distal spinal muscular atrophy type 3. Also called: ATP7A-Related Distal Motor Neuropathy; SPINAL MUSCULAR ATROPHY, DISTAL, X-LINKED RECESSIVE; NEURONOPATHY, DISTAL HEREDITARY MOTOR, X-LINKED; NEUROPATHY, DISTAL HEREDITARY MOTOR, X-LINKED. Identifiers: Orphanet 139557, MedGen C1845359, MONDO:0010338, OMIM 300489.

Submission:

Labcorp Genetics (formerly Invitae), Labcorp
Classification: Pathogenic for Distal spinal muscular atrophy, X-linked 3; Cutis laxa, X-linked; Menkes kinky-hair syndrome. Last evaluated: 2018-12-05. Review status: criteria provided, single submitter. Criteria: Invitae Variant Classification Sherloc (09022015). Collection method: clinical testing. Allele origin: germline.
Comment: This sequence change affects a donor splice site in intron 16 of the ATP7A gene. It is expected to disrupt RNA splicing and likely results in an absent or disrupted protein product. This variant is not present in population databases (ExAC no frequency). Disruption of this splice site has been observed in individuals affected with Menkes disease (PMID: 21494555). Donor and acceptor splice site variants typically lead to a loss of protein function (PMID: 16199547), and loss-of-function variants in ATP7A are known to be pathogenic (PMID: 11241493, 20652413). For these reasons, this variant has been classified as Pathogenic.

Literature cited by the submitters: PubMed 21494555; PubMed 20652413; PubMed 11241493.

NM_000052.7(ATP7A):c.3294+1G>A

Gene: ATP7A (ATPase copper transporting alpha; plus strand). Cytogenetic location: Xq21.1.
Variant type: single nucleotide variant.
Coding change: c.3294+1G>A on transcript NM_000052.7 (MANE Select); the canonical splice donor site of the intron after coding-DNA position 3294, G replaced by A.
Molecular consequence: splice donor variant.
Genome position (GRCh38, 1-based): chrX:78,031,583, G>A. VCF-style: chrX-78031583-G-A. GRCh37 (hg19) VCF-style: chrX-77287081-G-A.
Other names: c.3060+1G>A (NM_001282224.2).
Identifiers: ClinVar variation 648378 (VCV000648378.1), dbSNP rs797045374, ClinGen allele CA413603828.